The following is an entry in ClinVar:

NM_004260.4(RECQL4):c.3349G>A (p.Gly1117Arg)

Gene: RECQL4 (RecQ like helicase 4; minus strand). Cytogenetic location: 8q24.3.
Variant type: single nucleotide variant.
Coding change: c.3349G>A on transcript NM_004260.4 (MANE Select); coding-DNA position 3349, G replaced by A.
Protein change: p.Gly1117Arg; replaces glycine 1117 with arginine.
Molecular consequence: missense variant.
Genome position (GRCh38, 1-based): chr8:144,511,955, C>T on the plus strand (G>A on the coding strand, the complement: RECQL4 is on the minus strand). VCF-style: chr8-144511955-C-T. GRCh37 (hg19) VCF-style: chr8-145737338-C-T.
Other names: c.3349G>A (NM_004260.3); short protein forms G1117R.
Identifiers: ClinVar variation 1025944 (VCV001025944.7), dbSNP rs1238752974, ClinGen allele CA372668399.

ClinVar aggregate classification (germline): Uncertain significance. Review status: criteria provided, multiple submitters, no conflicts (2 of 4 stars). 2 submissions from 2 submitters: Uncertain significance (2). Last evaluated 2025-08-19.

Conditions:
Inborn genetic diseases. Identifiers: MedGen C0950123, MeSH D030342.
Baller-Gerold syndrome (BGS). Also called: CRANIOSYNOSTOSIS WITH RADIAL DEFECTS. Identifiers: Orphanet 1225, MedGen C0265308, MONDO:0009039, OMIM 218600.

Allele frequency attached by ClinVar (database versions not stated): gnomAD exomes below 0.00001.

Submissions (2):

Ambry Genetics
Classification: Uncertain significance for Inborn genetic diseases. Last evaluated: 2025-08-19. Review status: criteria provided, single submitter. Criteria: Ambry Variant Classification Scheme 2023. Collection method: clinical testing. Allele origin: germline.

Labcorp Genetics (formerly Invitae), Labcorp
Classification: Uncertain significance for Baller-Gerold syndrome. Last evaluated: 2023-08-10. Review status: criteria provided, single submitter. Criteria: Invitae Variant Classification Sherloc (09022015). Collection method: clinical testing. Allele origin: germline.
Comment: In summary, the available evidence is currently insufficient to determine the role of this variant in disease. Therefore, it has been classified as a Variant of Uncertain Significance. Experimental studies and prediction algorithms are not available or were not evaluated, and the functional significance of this variant is currently unknown. ClinVar contains an entry for this variant (Variation ID: 1025944). This variant has not been reported in the literature in individuals affected with RECQL4-related conditions. The frequency data for this variant in the population databases is considered unreliable, as metrics indicate poor data quality at this position in the gnomAD database. This sequence change replaces glycine, which is neutral and non-polar, with arginine, which is basic and polar, at codon 1117 of the RECQL4 protein (p.Gly1117Arg).